The following is an entry in ClinVar:

NM_182493.3(MYLK3):c.1460T>C (p.Leu487Pro)

Gene: MYLK3 (myosin light chain kinase 3; minus strand). Cytogenetic location: 16q11.2.
Variant type: single nucleotide variant.
Coding change: c.1460T>C on transcript NM_182493.3 (MANE Select); coding-DNA position 1460, T replaced by C.
Protein change: p.Leu487Pro; replaces leucine 487 with proline.
Molecular consequence: missense variant.
Genome position (GRCh38, 1-based): chr16:46,732,210, A>G on the plus strand (T>C on the coding strand, the complement: MYLK3 is on the minus strand). VCF-style: chr16-46732210-A-G. GRCh37 (hg19) VCF-style: chr16-46766122-A-G.
Other names: c.437T>C, p.Leu146Pro (NM_001308301.1); short protein forms L487P, L146P.
Identifiers: ClinVar variation 4780050 (VCV004780050.1).

ClinVar aggregate classification (germline): Uncertain significance (1 of 4 stars; one submission).

Submission:

Labcorp Genetics (formerly Invitae), Labcorp
Classification: Uncertain significance. Last evaluated: 2025-10-24. Review status: criteria provided, single submitter. Criteria: Invitae Variant Classification Sherloc (09022015). Collection method: clinical testing. Allele origin: germline.
Comment: This sequence change replaces leucine, which is neutral and non-polar, with proline, which is neutral and non-polar, at codon 487 of the MYLK3 protein (p.Leu487Pro). This variant is present in population databases (rs761358259, gnomAD 0.01%). This variant has not been reported in the literature in individuals affected with MYLK3-related conditions. An algorithm developed to predict the effect of missense changes on protein structure and function (PolyPhen-2) suggests that this variant is likely to be disruptive. In summary, the available evidence is currently insufficient to determine the role of this variant in disease. Therefore, it has been classified as a Variant of Uncertain Significance.